The following is an entry in ClinVar:

NM_176824.3(BBS7):c.1682G>A (p.Gly561Glu)

Gene: BBS7 (Bardet-Biedl syndrome 7; minus strand). Cytogenetic location: 4q27.
Variant type: single nucleotide variant.
Coding change: c.1682G>A on transcript NM_176824.3 (MANE Select); coding-DNA position 1682, G replaced by A.
Protein change: p.Gly561Glu; replaces glycine 561 with glutamic acid.
Molecular consequence: missense variant.
Genome position (GRCh38, 1-based): chr4:121,828,723, C>T on the plus strand (G>A on the coding strand, the complement: BBS7 is on the minus strand). VCF-style: chr4-121828723-C-T. GRCh37 (hg19) VCF-style: chr4-122749878-C-T.
Other names: c.1682G>A, p.Gly561Glu (NM_018190.4); short protein forms G561E.
Identifiers: ClinVar variation 4982024 (VCV004982024.1).

ClinVar aggregate classification (germline): Uncertain significance (1 of 4 stars; one submission).

Conditions:
BBS7-related disorder. Also called: BBS7-related condition.

gnomAD v4.1: 2 of 1,543,862 alleles (0.00013%); highest among the groups gnomAD compares: Non-Finnish European, 0.00018%; no homozygotes.

Submission:

PreventionGenetics, part of Exact Sciences
Classification: Uncertain significance for BBS7-related condition. Last evaluated: 2026-04-25. Review status: criteria provided, single submitter. Criteria: ACMG Guidelines, 2015. Collection method: clinical testing. Allele origin: germline.
Comment: The BBS7 c.1682G>A variant is predicted to result in the amino acid substitution p.Gly561Glu. To our knowledge, this variant has not been reported in the literature or in a large population database (gnomAD), indicating this variant is rare. At this time, the clinical significance of this variant is uncertain due to the absence of conclusive functional and genetic evidence.